The following is an entry in ClinVar:

NM_004371.4(COPA):c.1645A>G (p.Ile549Val)

Gene: COPA (coat protein complex I subunit alpha; minus strand). Cytogenetic location: 1q23.2.
Variant type: single nucleotide variant.
Coding change: c.1645A>G on transcript NM_004371.4 (MANE Select); coding-DNA position 1645, A replaced by G.
Protein change: p.Ile549Val; replaces isoleucine 549 with valine.
Molecular consequence: missense variant.
Genome position (GRCh38, 1-based): chr1:160,305,455, T>C on the plus strand (A>G on the coding strand, the complement: COPA is on the minus strand). VCF-style: chr1-160305455-T-C. GRCh37 (hg19) VCF-style: chr1-160275245-T-C.
Other names: c.1672A>G, p.Ile558Val (NM_001098398.2); short protein forms I558V, I549V.
Identifiers: ClinVar variation 1953493 (VCV001953493.5), dbSNP rs2525385739, ClinGen allele CA343253721.

ClinVar aggregate classification (germline): Uncertain significance (1 of 4 stars; one submission).

Conditions:
Autoimmune interstitial lung disease-arthritis syndrome. Also called: Autoinflammation and autoimmunity, systemic, with immune dysregulation. Identifiers: Orphanet 444092, MedGen C5975714, MONDO:0014629.

Allele frequency attached by ClinVar (database versions not stated): gnomAD exomes below 0.00001.
gnomAD v4.1: 1 of 1,614,168 alleles (0.000062%); highest among the groups gnomAD compares: Non-Finnish European, 0.000085%; no homozygotes.

Submission:

Labcorp Genetics (formerly Invitae), Labcorp
Classification: Uncertain significance for Autoimmune interstitial lung disease-arthritis syndrome. Last evaluated: 2022-07-19. Review status: criteria provided, single submitter. Criteria: Invitae Variant Classification Sherloc (09022015). Collection method: clinical testing. Allele origin: germline.
Comment: In summary, the available evidence is currently insufficient to determine the role of this variant in disease. Therefore, it has been classified as a Variant of Uncertain Significance. Advanced modeling of protein sequence and biophysical properties (such as structural, functional, and spatial information, amino acid conservation, physicochemical variation, residue mobility, and thermodynamic stability) performed at Invitae indicates that this missense variant is not expected to disrupt COPA protein function. This variant has not been reported in the literature in individuals affected with COPA-related conditions. This variant is not present in population databases (gnomAD no frequency). This sequence change replaces isoleucine, which is neutral and non-polar, with valine, which is neutral and non-polar, at codon 549 of the COPA protein (p.Ile549Val).